The following is an entry in ClinVar:

ClinVar aggregate classification (germline): Benign/Likely benign. Review status: criteria provided, multiple submitters, no conflicts (2 of 4 stars). 4 submissions from 4 submitters: Benign (1); Likely benign (2). 1 of the submissions does not count toward it. Last evaluated 2026-05-01.

Conditions:
INSR-related disorder.

Allele frequency attached by ClinVar (database versions not stated): gnomAD exomes 0.00004 and 0.00012; ExAC 0.00023; gnomAD 0.00034 and 0.00039; TOPMed 0.00034; ESP Exome Variant Server 0.00046; 1000 Genomes Project 0.00160; 1000 Genomes Project 30x 0.00172.
gnomAD v4.1: 133 of 1,613,896 alleles (0.0082%); highest among the groups gnomAD compares: African/African-American, 0.14%; 3 homozygotes.

Submissions (4):

CeGaT Center for Human Genetics Tuebingen
Classification: Likely benign. Last evaluated: 2026-05-01. Review status: criteria provided, single submitter. Criteria: CeGaT Center For Human Genetics Tuebingen Variant Classification Criteria Version 2. Collection method: clinical testing. Allele origin: germline. Affected: yes. Observed: 2 variant alleles.
Comment: INSR: BP4, BP7

Labcorp Genetics (formerly Invitae), Labcorp
Classification: Benign. Last evaluated: 2025-09-14. Review status: criteria provided, single submitter. Criteria: Invitae Variant Classification Sherloc (09022015). Collection method: clinical testing. Allele origin: germline.

Blueprint Genetics
Classification: Likely benign. Last evaluated: 2024-09-16. Review status: criteria provided, single submitter. Criteria: ACMG Guidelines, 2015. Collection method: clinical testing. Allele origin: germline.

PreventionGenetics, part of Exact Sciences
Classification: Likely benign for INSR-related condition. Last evaluated: 2024-09-19. Review status: no assertion criteria provided. Collection method: clinical testing. Allele origin: germline. Not counted in ClinVar's aggregate classification.
Comment: This variant is classified as likely benign based on ACMG/AMP sequence variant interpretation guidelines (Richards et al. 2015 PMID: 25741868, with internal and published modifications).

NM_000208.4(INSR):c.1503A>G (p.Lys501=)

Gene: INSR (insulin receptor; minus strand). Cytogenetic location: 19p13.2.
Variant type: single nucleotide variant.
Coding change: c.1503A>G on transcript NM_000208.4 (MANE Select); coding-DNA position 1503, A replaced by G.
Protein change: p.Lys501=; no amino-acid change (lysine 501 retained).
Molecular consequence: synonymous variant.
Genome position (GRCh38, 1-based): chr19:7,168,075, T>C on the plus strand (A>G on the coding strand, the complement: INSR is on the minus strand). VCF-style: chr19-7168075-T-C. GRCh37 (hg19) VCF-style: chr19-7168086-T-C.
Other names: c.1503A>G, p.Lys501= (NM_001079817.3).
Identifiers: ClinVar variation 734645 (VCV000734645.24), dbSNP rs9676819, ClinGen allele CA9135818.